The following is an entry in ClinVar:

ClinVar aggregate classification (germline): Uncertain significance (1 of 4 stars; one submission).

Conditions:
Hereditary cancer-predisposing syndrome. Also called: Tumor predisposition; Hereditary neoplastic syndrome; Hereditary Cancer Syndrome; Neoplastic Syndromes, Hereditary. Identifiers: Orphanet 140162, MedGen C0027672, MeSH D009386, MONDO:0015356.

gnomAD v4.1: 1 of 1,588,636 alleles (0.000063%); highest among the groups gnomAD compares: South Asian, 0.0011%; no homozygotes.

Submission:

Ambry Genetics
Classification: Uncertain significance for Hereditary cancer-predisposing syndrome. Last evaluated: 2023-12-14. Review status: criteria provided, single submitter. Criteria: Ambry Variant Classification Scheme 2023. Collection method: clinical testing. Allele origin: germline.
Comment: The p.G416W variant (also known as c.1246G>T), located in coding exon 5 of the AXIN2 gene, results from a G to T substitution at nucleotide position 1246. The glycine at codon 416 is replaced by tryptophan, an amino acid with highly dissimilar properties. This amino acid position is conserved. In addition, this alteration is predicted to be tolerated by in silico analysis. Since supporting evidence is limited at this time, the clinical significance of this alteration remains unclear.

NM_004655.4(AXIN2):c.1246G>T (p.Gly416Trp)

Gene: AXIN2 (axin 2; minus strand). Cytogenetic location: 17q24.1.
Variant type: single nucleotide variant.
Coding change: c.1246G>T on transcript NM_004655.4 (MANE Select); coding-DNA position 1246, G replaced by T.
Protein change: p.Gly416Trp; replaces glycine 416 with tryptophan.
Molecular consequence: missense variant.
Genome position (GRCh38, 1-based): chr17:65,537,790, C>A on the plus strand (G>T on the coding strand, the complement: AXIN2 is on the minus strand). VCF-style: chr17-65537790-C-A. GRCh37 (hg19) VCF-style: chr17-63533908-C-A.
Other names: c.1246G>T, p.Gly416Trp (NM_001363813.1); short protein forms G416W.
Identifiers: ClinVar variation 3224355 (VCV003224355.1), dbSNP rs765015663, ClinGen allele CA400677885.